The following is an entry in ClinVar:

NM_052845.4(MMAB):c.568C>T (p.Arg190Cys)

Gene: MMAB (metabolism of cobalamin associated B; minus strand). Cytogenetic location: 12q24.11.
Variant type: single nucleotide variant.
Coding change: c.568C>T on transcript NM_052845.4 (MANE Select); coding-DNA position 568, C replaced by T.
Protein change: p.Arg190Cys; replaces arginine 190 with cysteine.
Molecular consequence: missense variant. On other transcripts: non-coding transcript variant (1).
Genome position (GRCh38, 1-based): chr12:109,561,056, G>A on the plus strand (C>T on the coding strand, the complement: MMAB is on the minus strand). VCF-style: chr12-109561056-G-A. GRCh37 (hg19) VCF-style: chr12-109998861-G-A.
Other names: short protein forms R190C.
Identifiers: ClinVar variation 96244 (VCV000096244.23), dbSNP rs398124434, ClinGen allele CA223862.
Genomic context (GRCh38, chr12:109,561,056, plus strand): 5'-TCTCCCTCTCCCTTGGGCCCTCTCCCTCTCTCCAGCCCTCTTACCGTCTCTCGGCCCGGC[G>A]GCACACGGCCCGGCAGAAATGCAGCGCCGAGCTGATCTTGCCTCCCGACTGAAAGGAGAA-3'
Protein context (NP_443077.1, residues 180-200): SALHFCRAVC[Arg190Cys]RAERRVVPLV

ClinVar aggregate classification (germline): Pathogenic/Likely pathogenic. Review status: criteria provided, multiple submitters, no conflicts (2 of 4 stars). 9 submissions from 9 submitters: Pathogenic (5); Likely pathogenic (1). 3 of the submissions do not count toward it. Last evaluated 2026-01-19.

Conditions:
Methylmalonic aciduria, cblB type (MACB). Also called: Methylmalonic acidemia cblB type; METHYLMALONIC ACIDURIA, VITAMIN B12-RESPONSIVE, DUE TO DEFECT IN SYNTHESIS OF ADENOSYLCOBALAMIN, cblB TYPE; Vitamin B12-responsive methylmalonic acidemia type cblB. Identifiers: Orphanet 28, Orphanet 79311, MedGen C1855102, MONDO:0009614, OMIM 251110.

Allele frequency attached by ClinVar (database versions not stated): gnomAD exomes 0.00002 and 0.00001; ExAC 0.00003.
gnomAD v4.1: 14 of 1,563,662 alleles (0.0009%); highest among the groups gnomAD compares: Non-Finnish European, 0.0012%; no homozygotes.

Submissions (9):

Labcorp Genetics (formerly Invitae), Labcorp
Classification: Pathogenic for Methylmalonic aciduria, cblB type. Last evaluated: 2026-01-19. Review status: criteria provided, single submitter. Criteria: Invitae Variant Classification Sherloc (09022015). Collection method: clinical testing. Allele origin: germline.
Comment: This sequence change replaces arginine, which is basic and polar, with cysteine, which is neutral and slightly polar, at codon 190 of the MMAB protein (p.Arg190Cys). This variant is present in population databases (rs398124434, gnomAD 0.003%). This missense change has been observed in individuals with clinical features of methylmalonic aciduria cobalamin B type (PMID: 16410054, 24059531, 29039164). ClinVar contains an entry for this variant (Variation ID: 96244). Invitae Evidence Modeling of protein sequence and biophysical properties (such as structural, functional, and spatial information, amino acid conservation, physicochemical variation, residue mobility, and thermodynamic stability) indicates that this missense variant is expected to disrupt MMAB protein function with a positive predictive value of 80%. Experimental studies have shown that this missense change affects MMAB function (PMID: 19625202, 29197662). This variant disrupts the p.Arg190 amino acid residue in MMAB. Other variant(s) that disrupt this residue have been determined to be pathogenic (PMID: 16410054, 16439175, 19625202; internal data). This suggests that this residue is clinically significant, and that variants that disrupt this residue are likely to be disease-causing. For these reasons, this variant has been classified as Pathogenic.

Natera, Inc.
Classification: Pathogenic for Methylmalonic aciduria cblB type. Last evaluated: 2024-06-24. Review status: criteria provided, single submitter. Criteria: Natera Variant Classification Schema (03/2026). Collection method: clinical testing. Allele origin: germline.
Comment: The c.568C>T variant in MMAB is a missense variant predicted to cause substitution of arginine to cysteine at amino acid 190. This variant is rare in the general population with a frequency below the threshold expected for the associated phenotype(s). This variant has been observed in one or more individuals affected with the associated recessive disease, as either homozygous or compound heterozygous with a second variant (PMID: 31525265, 34796408). A different variant at the same position has been determined to be Pathogenic or Likely Pathogenic. Computational prediction algorithms indicate this variant is likely to affect gene or protein function. Given the available evidence, this variant is classified as Pathogenic.

Fulgent Genetics
Classification: Likely pathogenic for Methylmalonic aciduria, cblB type. Last evaluated: 2024-04-29. Review status: criteria provided, single submitter. Criteria: ACMG Guidelines, 2015. Collection method: clinical testing. Allele origin: germline.

Baylor Genetics
Classification: Pathogenic for Methylmalonic aciduria, cblB type. Last evaluated: 2024-03-27. Review status: criteria provided, single submitter. Criteria: ACMG Guidelines, 2015. Collection method: clinical testing. Allele origin: unknown.

Department of Pathology and Laboratory Medicine, Sinai Health System
Classification: Pathogenic for Methylmalonic aciduria, cblB type. Last evaluated: 2023-10-24. Review status: criteria provided, single submitter. Criteria: ACMG Guidelines, 2015. Collection method: research. Allele origin: germline.

Eurofins Ntd Llc (ga)
Classification: Pathogenic. Last evaluated: 2017-05-02. Review status: criteria provided, single submitter. Criteria: EGL Classification Definitions. Collection method: clinical testing. Allele origin: germline. Observed: 3 variant alleles, 2 heterozygotes, 2 homozygotes.

Baumgartner lab, University Children's Hospital Zurich
Classification: Pathogenic for Methylmalonic aciduria, cblB type. Last evaluated: 2021-06-01. Review status: no assertion criteria provided. Collection method: clinical testing. Allele origin: germline. Affected: yes. Not counted in ClinVar's aggregate classification.

Counsyl
Classification: Likely pathogenic for Methylmalonic aciduria, cblB type. Last evaluated: 2019-01-09. Review status: no assertion criteria provided. Collection method: clinical testing. Allele origin: unknown. Not counted in ClinVar's aggregate classification.

GeneReviews
No classification provided. Condition: Methylmalonic aciduria, cblB type. Review status: no classification provided. Collection method: literature only. Allele origin: germline. Affected: yes. Not counted in ClinVar's aggregate classification.

Literature cited by the submitters: PubMed 16410054 (cited by Labcorp Genetics (formerly Invitae), Labcorp and Counsyl); PubMed 24059531 (cited by Labcorp Genetics (formerly Invitae), Labcorp and Counsyl); PubMed 29039164 (cited by Labcorp Genetics (formerly Invitae), Labcorp and Counsyl); PubMed 19625202 (cited by Labcorp Genetics (formerly Invitae), Labcorp); PubMed 29197662 (cited by Labcorp Genetics (formerly Invitae), Labcorp and Counsyl); PubMed 16439175 (cited by Labcorp Genetics (formerly Invitae), Labcorp); PubMed 31525265 (cited by Natera, Inc.); PubMed 34796408 (cited by Natera, Inc.); PubMed 18251506 (cited by Counsyl); PubMed 17176040 (cited by Counsyl); NCBI Bookshelf NBK1231 (cited by GeneReviews).